The following is an entry in ClinVar:

NM_020745.4(AARS2):c.572T>G (p.Leu191Arg)

Gene: AARS2 (alanyl-tRNA synthetase 2, mitochondrial; minus strand). Cytogenetic location: 6p21.1.
Variant type: single nucleotide variant.
Coding change: c.572T>G on transcript NM_020745.4 (MANE Select); coding-DNA position 572, T replaced by G.
Protein change: p.Leu191Arg; replaces leucine 191 with arginine.
Molecular consequence: missense variant.
Genome position (GRCh38, 1-based): chr6:44,311,399, A>C on the plus strand (T>G on the coding strand, the complement: AARS2 is on the minus strand). VCF-style: chr6-44311399-A-C. GRCh37 (hg19) VCF-style: chr6-44279136-A-C.
Other names: short protein forms L191R.
Identifiers: ClinVar variation 1800559 (VCV001800559.1), dbSNP rs757341602, ClinGen allele CA3834614.

ClinVar aggregate classification (germline): Uncertain significance (1 of 4 stars; one submission).

Allele frequency attached by ClinVar (database versions not stated): gnomAD exomes below 0.00001; ExAC 0.00001; gnomAD 0.00003; TOPMed 0.00004.
gnomAD v4.1: 6 of 1,614,090 alleles (0.00037%); highest among the groups gnomAD compares: African/African-American, 0.0053%; no homozygotes.

Submission:

GeneDx
Classification: Uncertain significance. Last evaluated: 2022-05-19. Review status: criteria provided, single submitter. Criteria: GeneDx Variant Classification Process June 2021. Collection method: clinical testing. Allele origin: germline. Affected: yes.
Comment: Not observed at significant frequency in large population cohorts (gnomAD); In silico analysis supports that this missense variant has a deleterious effect on protein structure/function; Has not been previously published as pathogenic or benign to our knowledge